The following is an entry in ClinVar:

ClinVar aggregate classification (germline): Uncertain significance (1 of 4 stars; one submission).

Conditions:
Autosomal dominant nocturnal frontal lobe epilepsy 5. Also called: CILIARY DYSKINESIA, PRIMARY, 28, WITHOUT SITUS INVERSUS; CILIARY DYSKINESIA, PRIMARY, 28, WITH SITUS INVERSUS; Epilepsy, nocturnal frontal lobe, 5; KCNT1-Related Epilepsy. Identifiers: Orphanet 98784, MedGen C3554306, MONDO:0014002, OMIM 615005.
Developmental and epileptic encephalopathy, 14 (DEE14). Also called: Early infantile epileptic encephalopathy 14. Identifiers: Orphanet 293181, MedGen C3554195, MONDO:0013989, OMIM 614959.

Submission:

Labcorp Genetics (formerly Invitae), Labcorp
Classification: Uncertain significance for Autosomal dominant nocturnal frontal lobe epilepsy 5; Developmental and epileptic encephalopathy, 14. Last evaluated: 2022-09-20. Review status: criteria provided, single submitter. Criteria: Invitae Variant Classification Sherloc (09022015). Collection method: clinical testing. Allele origin: germline.
Comment: Advanced modeling of protein sequence and biophysical properties (such as structural, functional, and spatial information, amino acid conservation, physicochemical variation, residue mobility, and thermodynamic stability) performed at Invitae indicates that this missense variant is not expected to disrupt KCNT1 protein function. In summary, the available evidence is currently insufficient to determine the role of this variant in disease. Therefore, it has been classified as a Variant of Uncertain Significance. This variant has not been reported in the literature in individuals affected with KCNT1-related conditions. This variant is not present in population databases (gnomAD no frequency). This sequence change replaces proline, which is neutral and non-polar, with leucine, which is neutral and non-polar, at codon 66 of the KCNT1 protein (p.Pro66Leu).

NM_020822.3(KCNT1):c.197C>T (p.Pro66Leu)

Gene: KCNT1 (potassium sodium-activated channel subfamily T member 1; plus strand). Cytogenetic location: 9q34.3.
Variant type: single nucleotide variant.
Coding change: c.197C>T on transcript NM_020822.3 (MANE Select); coding-DNA position 197, C replaced by T.
Protein change: p.Pro66Leu; replaces proline 66 with leucine.
Molecular consequence: missense variant. On other transcripts: intron variant (1).
Genome position (GRCh38, 1-based): chr9:135,714,663, C>T. VCF-style: chr9-135714663-C-T. GRCh37 (hg19) VCF-style: chr9-138606509-C-T.
Other names: c.110+12295C>T (NM_001272003.2); short protein forms P66L.
Identifiers: ClinVar variation 2196344 (VCV002196344.4), dbSNP rs2490605273, ClinGen allele CA375493364.
Genomic context (GRCh38, chr9:135,714,663, plus strand): 5'-TCCTGGACACCGCCGGCTTCAAGATGAGCGACCTGGACTCCGAGGTGCTGCCCTTGCCGC[C>T]GCGCTACCGCTTCCGGGACCTGCTGCTGGGCGACCCGTCCTTCCAGAACGACGACAGGTA-3'
Protein context (NP_065873.2, residues 56-76): DLDSEVLPLP[Pro66Leu]RYRFRDLLLG